The following is an entry in ClinVar:

NM_000138.5(FBN1):c.4206T>G (p.Cys1402Trp)

Gene: FBN1 (fibrillin 1; minus strand). Cytogenetic location: 15q21.1.
Variant type: single nucleotide variant.
Coding change: c.4206T>G on transcript NM_000138.5 (MANE Select); coding-DNA position 4206, T replaced by G.
Protein change: p.Cys1402Trp; replaces cysteine 1402 with tryptophan.
Molecular consequence: missense variant.
Genome position (GRCh38, 1-based): chr15:48,474,259, A>C on the plus strand (T>G on the coding strand, the complement: FBN1 is on the minus strand). VCF-style: chr15-48474259-A-C. GRCh37 (hg19) VCF-style: chr15-48766456-A-C.
Other names: c.4206T>G, p.Cys1402Trp (NM_001406716.1); short protein forms C1402W.
Identifiers: ClinVar variation 1738692 (VCV001738692.2), dbSNP rs2141279643, ClinGen allele CA392319861.

ClinVar aggregate classification (germline): Likely pathogenic (1 of 4 stars; one submission).

Conditions:
Familial thoracic aortic aneurysm and aortic dissection (TAAD). Also called: Thoracic aortic aneurysms and dissections. Identifiers: Orphanet 91387, MedGen C4707243, MONDO:0019625.

Submission:

Ambry Genetics
Classification: Likely pathogenic for Familial thoracic aortic aneurysm and aortic dissection. Last evaluated: 2017-12-05. Review status: criteria provided, single submitter. Criteria: Ambry Variant Classification Scheme 2023. Collection method: clinical testing. Allele origin: germline.
Comment: The p.C1402W variant (also known as c.4206T>G), located in coding exon 33 of the FBN1 gene, results from a T to G substitution at nucleotide position 4206. The cysteine at codon 1402 is replaced by tryptophan, an amino acid with highly dissimilar properties, and is located in the cb EGF-like #19 domain. The majority of FBN1 mutations identified to date have involved the substitution or generation of cysteine residues within cbEGF domains (Vollbrandt T et al. J Biol Chem. 2004;279(31):32924-32931). This alteration has been reported in a patient with Marfan syndrome, and limited functional studies demonstrated a reduction in fibrillin deposition (Schrijver I et al. Am. J. Hum. Genet., 1999 Oct;65:1007-20). In addition, alternate amino acid substitutions at this position, p.C1402Y and p.C1402R, have also been detected in individuals with Marfan syndrome (Comeglio P et al. Hum. Mutat., 2001 Dec;18:546-7; Arbustini E et al. Hum. Mutat., 2005 Nov;26:494; Pees C et al. Clin. Genet., 2014 Dec;86:552-7). Based on internal structural assessment, these alterations eliminate a structurally critical disulfide bond in cbEGF domain #19. This amino acid position is highly conserved in available vertebrate species. In addition, this alteration is predicted to be deleterious by in silico analysis. Based on the majority of available evidence to date, this variant is likely to be pathogenic.

Literature cited by the submitters: PubMed 10486319; PubMed 11748851; PubMed 16222657; PubMed 17850668; PubMed 24199744.